The following is an entry in ClinVar:

ClinVar aggregate classification (germline): Uncertain significance. Review status: criteria provided, multiple submitters, no conflicts (2 of 4 stars). 3 submissions from 3 submitters: Uncertain significance (3). Last evaluated 2023-02-16.

Conditions:
Inborn genetic diseases. Identifiers: MedGen C0950123, MeSH D030342.
Hepatic veno-occlusive disease-immunodeficiency syndrome. Also called: Hepatic Veno-Occlusive Disease with Immunodeficiency. Identifiers: Orphanet 79124, MedGen C1856128, MONDO:0009338, OMIM 235550. Disease mechanism: loss of function.

Allele frequency attached by ClinVar (database versions not stated): gnomAD 0.00001; ExAC 0.00002; gnomAD exomes 0.00002; TOPMed 0.00002.
gnomAD v4.1: 36 of 1,614,012 alleles (0.0022%); highest among the groups gnomAD compares: Non-Finnish European, 0.0016%; no homozygotes.

Submissions (3):

Ambry Genetics
Classification: Uncertain significance for Inborn genetic diseases. Last evaluated: 2023-02-16. Review status: criteria provided, single submitter. Criteria: Ambry Variant Classification Scheme 2023. Collection method: clinical testing. Allele origin: germline.

Labcorp Genetics (formerly Invitae), Labcorp
Classification: Uncertain significance for Hepatic veno-occlusive disease-immunodeficiency syndrome. Last evaluated: 2021-08-24. Review status: criteria provided, single submitter. Criteria: Invitae Variant Classification Sherloc (09022015). Collection method: clinical testing. Allele origin: germline.
Comment: This sequence change replaces leucine with tryptophan at codon 619 of the SP110 protein (p.Leu619Trp). The leucine residue is moderately conserved and there is a small physicochemical difference between leucine and tryptophan. This variant is present in population databases (rs199752332, ExAC 0.004%). This variant has not been reported in the literature in individuals affected with SP110-related conditions. ClinVar contains an entry for this variant (Variation ID: 334894). Algorithms developed to predict the effect of missense changes on protein structure and function are either unavailable or do not agree on the potential impact of this missense change (SIFT: "Deleterious"; PolyPhen-2: "Probably Damaging"; Align-GVGD: "Class C0"). In summary, the available evidence is currently insufficient to determine the role of this variant in disease. Therefore, it has been classified as a Variant of Uncertain Significance.

Illumina Laboratory Services, Illumina
Classification: Uncertain significance for Hepatic veno-occlusive disease-immunodeficiency syndrome. Last evaluated: 2018-01-13. Review status: criteria provided, single submitter. Criteria: ICSL Variant Classification Criteria 13 December 2019. Collection method: clinical testing. Allele origin: germline.

NM_080424.4(SP110):c.1928T>G (p.Leu643Trp)

Gene: SP110 (SP110 nuclear body protein; minus strand). Cytogenetic location: 2q37.1.
Variant type: single nucleotide variant.
Coding change: c.1928T>G on transcript NM_080424.4 (MANE Select); coding-DNA position 1928, T replaced by G.
Protein change: p.Leu643Trp; replaces leucine 643 with tryptophan.
Molecular consequence: missense variant. On other transcripts: intron variant (1).
Genome position (GRCh38, 1-based): chr2:230,170,721, A>C on the plus strand (T>G on the coding strand, the complement: SP110 is on the minus strand). VCF-style: chr2-230170721-A-C. GRCh37 (hg19) VCF-style: chr2-231035437-A-C.
Other names: c.2024T>G, p.Leu675Trp (NM_001378442.1); c.2006T>G, p.Leu669Trp (NM_001378443.1); c.1946T>G, p.Leu649Trp (NM_001378444.1); c.1874T>G, p.Leu625Trp (NM_001378445.1); c.1856T>G, p.Leu619Trp (NM_004509.5); c.1833+1345T>G (NM_001378446.1); short protein forms L643W, L619W, L625W, L649W, L669W, L675W.
Identifiers: ClinVar variation 334894 (VCV000334894.11), dbSNP rs199752332, ClinGen allele CA2154293.